The following is an entry in ClinVar:

ClinVar aggregate classification (germline): Uncertain significance. Review status: criteria provided, multiple submitters, no conflicts (2 of 4 stars). 3 submissions from 3 submitters: Uncertain significance (3). Last evaluated 2024-04-25.

Conditions:
Lethal multiple pterygium syndrome (LMPS). Identifiers: Orphanet 33108, MedGen C1854678, MONDO:0009668, OMIM 253290.

Allele frequency attached by ClinVar (database versions not stated): gnomAD exomes below 0.00001 and 0.00001; gnomAD 0.00001; TOPMed 0.00001.
gnomAD v4.1: 7 of 1,612,880 alleles (0.00043%); highest among the groups gnomAD compares: Admixed American, 0.0033%; no homozygotes.

Submissions (3):

Labcorp Genetics (formerly Invitae), Labcorp
Classification: Uncertain significance for Lethal multiple pterygium syndrome. Last evaluated: 2024-04-25. Review status: criteria provided, single submitter. Criteria: Invitae Variant Classification Sherloc (09022015). Collection method: clinical testing. Allele origin: germline.
Comment: This sequence change replaces tyrosine, which is neutral and polar, with cysteine, which is neutral and slightly polar, at codon 127 of the CHRND protein (p.Tyr127Cys). This variant is present in population databases (no rsID available, gnomAD 0.003%). This variant has not been reported in the literature in individuals affected with CHRND-related conditions. ClinVar contains an entry for this variant (Variation ID: 862562). Advanced modeling of protein sequence and biophysical properties (such as structural, functional, and spatial information, amino acid conservation, physicochemical variation, residue mobility, and thermodynamic stability) performed at Invitae indicates that this missense variant is expected to disrupt CHRND protein function with a positive predictive value of 80%. In summary, the available evidence is currently insufficient to determine the role of this variant in disease. Therefore, it has been classified as a Variant of Uncertain Significance.

Blueprint Genetics
Classification: Uncertain significance. Last evaluated: 2022-09-08. Review status: criteria provided, single submitter. Criteria: ACMG Guidelines, 2015. Collection method: clinical testing. Allele origin: germline.

Revvity Omics, Revvity
Classification: Uncertain significance. Last evaluated: 2019-06-21. Review status: criteria provided, single submitter. Criteria: ACMG Guidelines, 2015. Collection method: clinical testing. Allele origin: germline.

NM_000751.3(CHRND):c.380A>G (p.Tyr127Cys)

Gene: CHRND (cholinergic receptor nicotinic delta subunit; plus strand). Cytogenetic location: 2q37.1.
Variant type: single nucleotide variant.
Coding change: c.380A>G on transcript NM_000751.3 (MANE Select); coding-DNA position 380, A replaced by G.
Protein change: p.Tyr127Cys; replaces tyrosine 127 with cysteine.
Molecular consequence: missense variant.
Genome position (GRCh38, 1-based): chr2:232,528,527, A>G. VCF-style: chr2-232528527-A-G. GRCh37 (hg19) VCF-style: chr2-233393237-A-G.
Other names: c.335A>G, p.Tyr112Cys (NM_001256657.2); c.109A>G, p.Thr37Ala (NM_001311195.2); c.77A>G, p.Tyr26Cys (NM_001311196.2); short protein forms Y112C, T37A, Y127C, Y26C.
Identifiers: ClinVar variation 862562 (VCV000862562.13), dbSNP rs1231032358, ClinGen allele CA350997807.